The following is an entry in ClinVar:

NM_001365480.1(CCDC88A):c.3379C>A (p.Gln1127Lys)

Gene: CCDC88A (coiled-coil and HOOK domain protein 88A; minus strand). Cytogenetic location: 2p16.1.
Variant type: single nucleotide variant.
Coding change: c.3379C>A on transcript NM_001365480.1 (MANE Select); coding-DNA position 3379, C replaced by A.
Protein change: p.Gln1127Lys; replaces glutamine 1127 with lysine.
Molecular consequence: missense variant.
Genome position (GRCh38, 1-based): chr2:55,317,787, G>T on the plus strand (C>A on the coding strand, the complement: CCDC88A is on the minus strand). VCF-style: chr2-55317787-G-T. GRCh37 (hg19) VCF-style: chr2-55544923-G-T.
Other names: c.3376C>A, p.Gln1126Lys (NM_001135597.2, NM_001254943.2); c.3379C>A, p.Gln1127Lys (NM_018084.5); short protein forms Q1126K, Q1127K.
Identifiers: ClinVar variation 1503644 (VCV001503644.6), dbSNP rs2104626233, ClinGen allele CA346892463.

ClinVar aggregate classification (germline): Uncertain significance (1 of 4 stars; one submission).

Submission:

Labcorp Genetics (formerly Invitae), Labcorp
Classification: Uncertain significance. Last evaluated: 2024-10-23. Review status: criteria provided, single submitter. Criteria: Invitae Variant Classification Sherloc (09022015). Collection method: clinical testing. Allele origin: germline.
Comment: This sequence change replaces glutamine, which is neutral and polar, with lysine, which is basic and polar, at codon 1126 of the CCDC88A protein (p.Gln1126Lys). This variant is not present in population databases (gnomAD no frequency). This variant has not been reported in the literature in individuals affected with CCDC88A-related conditions. ClinVar contains an entry for this variant (Variation ID: 1503644). An algorithm developed to predict the effect of missense changes on protein structure and function (PolyPhen-2) suggests that this variant is likely to be disruptive. In summary, the available evidence is currently insufficient to determine the role of this variant in disease. Therefore, it has been classified as a Variant of Uncertain Significance.